The following is an entry in ClinVar:

NM_006904.7(PRKDC):c.11290G>A (p.Val3764Met)

Gene: PRKDC (protein kinase, DNA-activated, catalytic subunit; minus strand). Cytogenetic location: 8q11.21.
Variant type: single nucleotide variant.
Coding change: c.11290G>A on transcript NM_006904.7 (MANE Select); coding-DNA position 11290, G replaced by A.
Protein change: p.Val3764Met; replaces valine 3764 with methionine.
Molecular consequence: missense variant.
Genome position (GRCh38, 1-based): chr8:47,782,484, C>T on the plus strand (G>A on the coding strand, the complement: PRKDC is on the minus strand). VCF-style: chr8-47782484-C-T. GRCh37 (hg19) VCF-style: chr8-48695045-C-T.
Other names: c.11290G>A, p.Val3764Met (NM_001081640.2); short protein forms V3764M.
Identifiers: ClinVar variation 1405217 (VCV001405217.5), dbSNP rs756427326, ClinGen allele CA4739123.

ClinVar aggregate classification (germline): Uncertain significance (1 of 4 stars; one submission).

Conditions:
Severe combined immunodeficiency due to DNA-PKcs deficiency. Also called: IMMUNODEFICIENCY 26 WITH NEUROLOGIC ABNORMALITIES; Immunodeficiency 26 with or without neurologic abnormalities. Identifiers: Orphanet 317425, MedGen C4014833, MONDO:0014423, OMIM 615966.

Allele frequency attached by ClinVar (database versions not stated): gnomAD 0.00001; ExAC 0.00002; gnomAD exomes 0.00002.
gnomAD v4.1: 11 of 1,581,848 alleles (0.0007%); highest among the groups gnomAD compares: South Asian, 0.0035%; no homozygotes.

Submission:

Labcorp Genetics (formerly Invitae), Labcorp
Classification: Uncertain significance for Severe combined immunodeficiency due to DNA-PKcs deficiency. Last evaluated: 2023-12-11. Review status: criteria provided, single submitter. Criteria: Invitae Variant Classification Sherloc (09022015). Collection method: clinical testing. Allele origin: germline.
Comment: This sequence change replaces valine with methionine at codon 3764 of the PRKDC protein (p.Val3764Met). The valine residue is weakly conserved and there is a small physicochemical difference between valine and methionine. The frequency data for this variant in the population databases is considered unreliable, as metrics indicate poor data quality at this position in the gnomAD database. This variant has not been reported in the literature in individuals affected with PRKDC-related conditions. ClinVar contains an entry for this variant (Variation ID: 1405217). Advanced modeling of protein sequence and biophysical properties (such as structural, functional, and spatial information, amino acid conservation, physicochemical variation, residue mobility, and thermodynamic stability) performed at Invitae indicates that this missense variant is not expected to disrupt PRKDC protein function with a negative predictive value of 80%. In summary, the available evidence is currently insufficient to determine the role of this variant in disease. Therefore, it has been classified as a Variant of Uncertain Significance.